The following is an entry in ClinVar:

NM_001111125.3(IQSEC2):c.2305G>T (p.Glu769Ter)

Gene: IQSEC2 (IQ motif and Sec7 domain ArfGEF 2; minus strand). Cytogenetic location: Xp11.22.
Variant type: single nucleotide variant.
Coding change: c.2305G>T on transcript NM_001111125.3 (MANE Select); coding-DNA position 2305, G replaced by T.
Protein change: p.Glu769Ter; replaces glutamic acid 769 with a stop codon.
Molecular consequence: nonsense.
Genome position (GRCh38, 1-based): chrX:53,248,875, C>A on the plus strand (G>T on the coding strand, the complement: IQSEC2 is on the minus strand). VCF-style: chrX-53248875-C-A. GRCh37 (hg19) VCF-style: chrX-53278057-C-A.
Other names: c.1690G>T, p.Glu564Ter (NM_015075.2); short protein forms E769*, E564*.
Identifiers: ClinVar variation 1452197 (VCV001452197.6), dbSNP rs2147089995, ClinGen allele CA413158986.

ClinVar aggregate classification (germline): Pathogenic (1 of 4 stars; one submission).

Conditions:
Intellectual developmental disorder, X-linked 1. Also called: Intellectual disability, X-linked 1; Atkin Flaitz Patil Smith syndrome; MENTAL RETARDATION, X-LINKED 18; MENTAL RETARDATION, X-LINKED 78. Identifiers: Orphanet 777, MedGen C2931498, MONDO:0010656, OMIM 309530.

Submission:

Labcorp Genetics (formerly Invitae), Labcorp
Classification: Pathogenic for Intellectual developmental disorder, X-linked 1. Last evaluated: 2021-09-16. Review status: criteria provided, single submitter. Criteria: Invitae Variant Classification Sherloc (09022015). Collection method: clinical testing. Allele origin: germline.
Comment: This sequence change creates a premature translational stop signal (p.Glu769*) in the IQSEC2 gene. It is expected to result in an absent or disrupted protein product. Loss-of-function variants in IQSEC2 are known to be pathogenic (PMID: 21686261, 26793055, 27665735). This variant is not present in population databases (ExAC no frequency). This variant has not been reported in the literature in individuals affected with IQSEC2-related conditions. For these reasons, this variant has been classified as Pathogenic.

Literature cited by the submitters: PubMed 21686261; PubMed 26793055; PubMed 27665735.